The following is an entry in ClinVar:

NM_000059.4(BRCA2):c.2523A>C (p.Arg841Ser)

Gene: BRCA2 (BRCA2 DNA repair associated; plus strand). Cytogenetic location: 13q13.1.
Variant type: single nucleotide variant.
Coding change: c.2523A>C on transcript NM_000059.4 (MANE Select); coding-DNA position 2523, A replaced by C.
Protein change: p.Arg841Ser; replaces arginine 841 with serine.
Molecular consequence: missense variant. On other transcripts: non-coding transcript variant (1), intron variant (2).
Genome position (GRCh38, 1-based): chr13:32,336,878, A>C. VCF-style: chr13-32336878-A-C. GRCh37 (hg19) VCF-style: chr13-32911015-A-C.
Other names: c.2523A>C, p.Arg841Ser (NM_001406719.1, NM_001406720.1); c.1909+3491A>C (NM_001406721.1); c.424+5848A>C (NM_001406722.1); short protein forms R841S.
Identifiers: ClinVar variation 2993989 (VCV002993989.2), dbSNP rs2137487360, ClinGen allele CA387772471.

ClinVar aggregate classification (germline): Uncertain significance (1 of 4 stars; one submission).

Conditions:
Hereditary breast ovarian cancer syndrome. Also called: BRCA1- and BRCA2-Associated Hereditary Breast and Ovarian Cancer; Hereditary breast and ovarian cancer syndrome; Hereditary breast and/or ovarian cancer syndrome; Hereditary breast and ovarian cancer; Hereditary breast and ovarian cancer syndrome (HBOC); Breast and ovarian cancer. Identifiers: Orphanet 145, MedGen C0677776, MeSH D061325, MONDO:0003582. Disease mechanism: loss of function.

Submission:

Labcorp Genetics (formerly Invitae), Labcorp
Classification: Uncertain significance for Hereditary breast ovarian cancer syndrome. Last evaluated: 2023-09-19. Review status: criteria provided, single submitter. Criteria: Invitae Variant Classification Sherloc (09022015). Collection method: clinical testing. Allele origin: germline.
Comment: In summary, the available evidence is currently insufficient to determine the role of this variant in disease. Therefore, it has been classified as a Variant of Uncertain Significance. Advanced modeling of protein sequence and biophysical properties (such as structural, functional, and spatial information, amino acid conservation, physicochemical variation, residue mobility, and thermodynamic stability) performed at Invitae indicates that this missense variant is not expected to disrupt BRCA2 protein function. This variant has not been reported in the literature in individuals affected with BRCA2-related conditions. This variant is not present in population databases (gnomAD no frequency). This sequence change replaces arginine, which is basic and polar, with serine, which is neutral and polar, at codon 841 of the BRCA2 protein (p.Arg841Ser).